The following is an entry in ClinVar:

ClinVar aggregate classification (germline): Uncertain significance. Review status: criteria provided, multiple submitters, no conflicts (2 of 4 stars). 2 submissions from 2 submitters: Uncertain significance (2). Last evaluated 2022-08-15.

Conditions:
Combined immunodeficiency due to LRBA deficiency. Also called: Common variable immunodeficiency 8, with autoimmunity. Identifiers: Orphanet 445018, MedGen C3553512, MONDO:0013863, OMIM 614700.

gnomAD v4.1: 33 of 1,612,686 alleles (0.002%); highest among the groups gnomAD compares: African/African-American, 0.0027%; no homozygotes.

Submissions (2):

Mayo Clinic Laboratories, Mayo Clinic
Classification: Uncertain significance. Last evaluated: 2022-08-15. Review status: criteria provided, single submitter. Criteria: ACMG Guidelines, 2015. Collection method: clinical testing. Allele origin: germline. Observed: 2 variant alleles.

Labcorp Genetics (formerly Invitae), Labcorp
Classification: Uncertain significance for Combined immunodeficiency due to LRBA deficiency. Last evaluated: 2021-10-13. Review status: criteria provided, single submitter. Criteria: Invitae Variant Classification Sherloc (09022015). Collection method: clinical testing. Allele origin: germline.
Comment: In summary, the available evidence is currently insufficient to determine the role of this variant in disease. Therefore, it has been classified as a Variant of Uncertain Significance. Algorithms developed to predict the effect of missense changes on protein structure and function are either unavailable or do not agree on the potential impact of this missense change (SIFT: "Deleterious"; PolyPhen-2: "Probably Damaging"; Align-GVGD: "Class C0"). This variant has not been reported in the literature in individuals affected with LRBA-related conditions. This variant is present in population databases (rs139563734, ExAC 0.002%). This sequence change replaces arginine with proline at codon 2439 of the LRBA protein (p.Arg2439Pro). The arginine residue is moderately conserved and there is a moderate physicochemical difference between arginine and proline.

NM_001364905.1(LRBA):c.7283G>C (p.Arg2428Pro)

Gene: LRBA (LPS responsive beige-like anchor protein; minus strand). Cytogenetic location: 4q31.3.
Variant type: single nucleotide variant.
Coding change: c.7283G>C on transcript NM_001364905.1 (MANE Select); coding-DNA position 7283, G replaced by C.
Protein change: p.Arg2428Pro; replaces arginine 2428 with proline.
Molecular consequence: missense variant.
Genome position (GRCh38, 1-based): chr4:150,350,071, C>G on the plus strand (G>C on the coding strand, the complement: LRBA is on the minus strand). VCF-style: chr4-150350071-C-G. GRCh37 (hg19) VCF-style: chr4-151271223-C-G.
Other names: p.Arg2439Pro; c.7283G>C, p.Arg2428Pro (NM_001199282.3, NM_001367550.1); c.7316G>C, p.Arg2439Pro (NM_006726.5); short protein forms R2428P, R2439P.
Identifiers: ClinVar variation 1398543 (VCV001398543.5), dbSNP rs139563734, ClinGen allele CA3101690.